The following is an entry in ClinVar:

NM_020166.5(MCCC1):c.1682A>G (p.Asn561Ser)

Gene: MCCC1 (methylcrotonyl-CoA carboxylase subunit 1; minus strand). Cytogenetic location: 3q27.1.
Variant type: single nucleotide variant.
Coding change: c.1682A>G on transcript NM_020166.5 (MANE Select); coding-DNA position 1682, A replaced by G.
Protein change: p.Asn561Ser; replaces asparagine 561 with serine.
Molecular consequence: missense variant. On other transcripts: non-coding transcript variant (1).
Genome position (GRCh38, 1-based): chr3:183,025,804, T>C on the plus strand (A>G on the coding strand, the complement: MCCC1 is on the minus strand). VCF-style: chr3-183025804-T-C. GRCh37 (hg19) VCF-style: chr3-182743592-T-C.
Other names: c.1331A>G, p.Asn444Ser (NM_001293273.2); c.1355A>G, p.Asn452Ser (NM_001363880.1); short protein forms N444S, N452S, N561S.
Identifiers: ClinVar variation 1427272 (VCV001427272.6), dbSNP rs112307657, ClinGen allele CA88693639.

ClinVar aggregate classification (germline): Uncertain significance (1 of 4 stars; one submission).

Conditions:
3-methylcrotonyl-CoA carboxylase 1 deficiency (MCC1D). Also called: MCCD TYPE 1; METHYLCROTONYLGLYCINURIA TYPE I; MCC 1 deficiency; 3 Alpha methylcrotonylglycinuria 1. Identifiers: Orphanet 6, MedGen CN028786, MONDO:0008861, OMIM 210200.

Allele frequency attached by ClinVar (database versions not stated): gnomAD exomes below 0.00001; gnomAD 0.00001.
gnomAD v4.1: 9 of 1,612,814 alleles (0.00056%); highest among the groups gnomAD compares: African/African-American, 0.0013%; no homozygotes.

Submission:

Labcorp Genetics (formerly Invitae), Labcorp
Classification: Uncertain significance for 3-methylcrotonyl-CoA carboxylase 1 deficiency. Last evaluated: 2023-08-04. Review status: criteria provided, single submitter. Criteria: Invitae Variant Classification Sherloc (09022015). Collection method: clinical testing. Allele origin: germline.
Comment: This variant is present in population databases (rs112307657, gnomAD 0.004%). This sequence change replaces asparagine, which is neutral and polar, with serine, which is neutral and polar, at codon 561 of the MCCC1 protein (p.Asn561Ser). This variant has not been reported in the literature in individuals affected with MCCC1-related conditions. ClinVar contains an entry for this variant (Variation ID: 1427272). An algorithm developed to predict the effect of missense changes on protein structure and function (PolyPhen-2) suggests that this variant is likely to be tolerated. Algorithms developed to predict the effect of sequence changes on RNA splicing suggest that this variant may create or strengthen a splice site. In summary, the available evidence is currently insufficient to determine the role of this variant in disease. Therefore, it has been classified as a Variant of Uncertain Significance.